The following is an entry in ClinVar:

NM_001429.4(EP300):c.806G>A (p.Gly269Asp)

Gene: EP300 (E1A binding protein p300; plus strand). Cytogenetic location: 22q13.2.
Variant type: single nucleotide variant.
Coding change: c.806G>A on transcript NM_001429.4 (MANE Select); coding-DNA position 806, G replaced by A.
Protein change: p.Gly269Asp; replaces glycine 269 with aspartic acid.
Molecular consequence: missense variant.
Genome position (GRCh38, 1-based): chr22:41,125,940, G>A. VCF-style: chr22-41125940-G-A. GRCh37 (hg19) VCF-style: chr22-41521944-G-A.
Other names: c.806G>A, p.Gly269Asp (NM_001362843.2); short protein forms G269D.
Identifiers: ClinVar variation 3348195 (VCV003348195.1).

ClinVar aggregate classification (germline): Uncertain significance (0 of 4 stars; one submission).

Conditions:
EP300-related disorder. Also called: EP300-related disorders; EP300-related condition.

gnomAD v4.1: 1 of 1,614,170 alleles (0.000062%); highest among the groups gnomAD compares: Non-Finnish European, 0.000085%; no homozygotes.

Submission:

PreventionGenetics, part of Exact Sciences
Classification: Uncertain significance for EP300-related condition. Last evaluated: 2024-01-16. Review status: no assertion criteria provided. Collection method: clinical testing. Allele origin: germline.
Comment: The EP300 c.806G>A variant is predicted to result in the amino acid substitution p.Gly269Asp. To our knowledge, this variant has not been reported in the literature or in a large population database, indicating this variant is rare. At this time, the clinical significance of this variant is uncertain due to the absence of conclusive functional and genetic evidence.